The following is an entry in ClinVar:

NM_005869.4(CWC27):c.842T>C (p.Met281Thr)

Gene: CWC27 (CWC27 spliceosome associated cyclophilin; plus strand). Cytogenetic location: 5q12.3.
Variant type: single nucleotide variant.
Coding change: c.842T>C on transcript NM_005869.4 (MANE Select); coding-DNA position 842, T replaced by C.
Protein change: p.Met281Thr; replaces methionine 281 with threonine.
Molecular consequence: missense variant.
Genome position (GRCh38, 1-based): chr5:64,804,290, T>C. VCF-style: chr5-64804290-T-C. GRCh37 (hg19) VCF-style: chr5-64100117-T-C.
Other names: c.842T>C, p.Met281Thr (NM_001297644.1, NM_001297645.2, NM_001318000.2 and 1 more transcripts); short protein forms M281T.
Identifiers: ClinVar variation 1383313 (VCV001383313.6), dbSNP rs2112214504, ClinGen allele CA359833420.

ClinVar aggregate classification (germline): Uncertain significance (1 of 4 stars; one submission).

Submission:

Labcorp Genetics (formerly Invitae), Labcorp
Classification: Uncertain significance. Last evaluated: 2024-02-05. Review status: criteria provided, single submitter. Criteria: Invitae Variant Classification Sherloc (09022015). Collection method: clinical testing. Allele origin: germline.
Comment: This sequence change replaces methionine, which is neutral and non-polar, with threonine, which is neutral and polar, at codon 281 of the CWC27 protein (p.Met281Thr). This variant is not present in population databases (gnomAD no frequency). This variant has not been reported in the literature in individuals affected with CWC27-related conditions. ClinVar contains an entry for this variant (Variation ID: 1383313). An algorithm developed to predict the effect of missense changes on protein structure and function (PolyPhen-2) suggests that this variant is likely to be tolerated. In summary, the available evidence is currently insufficient to determine the role of this variant in disease. Therefore, it has been classified as a Variant of Uncertain Significance.